The following is an entry in ClinVar:

NM_000036.3(AMPD1):c.235C>T (p.Arg79Trp)

Gene: AMPD1 (adenosine monophosphate deaminase 1; minus strand). Cytogenetic location: 1p13.2.
Variant type: single nucleotide variant.
Coding change: c.235C>T on transcript NM_000036.3 (MANE Select); coding-DNA position 235, C replaced by T.
Protein change: p.Arg79Trp; replaces arginine 79 with tryptophan.
Molecular consequence: missense variant.
Genome position (GRCh38, 1-based): chr1:114,686,891, G>A on the plus strand (C>T on the coding strand, the complement: AMPD1 is on the minus strand). VCF-style: chr1-114686891-G-A. GRCh37 (hg19) VCF-style: chr1-115229512-G-A.
Other names: c.223C>T, p.Arg75Trp (NM_001172626.2); short protein forms R112W, R75W, R79W.
Identifiers: ClinVar variation 791725 (VCV000791725.15), dbSNP rs61758863, ClinGen allele CA1020485.

ClinVar aggregate classification (germline): Conflicting classifications of pathogenicity. Review status: criteria provided, conflicting classifications (1 of 4 stars). 5 submissions from 5 submitters: Uncertain significance (3); Likely benign (1). 1 of the submissions does not count toward it. Last evaluated 2026-02-02.

Conditions:
AMPD1-related disorder. Also called: AMPD1-related condition.
Muscle AMP deaminase deficiency (MMDD). Also called: ADENOSINE MONOPHOSPHATE DEAMINASE-1 DEFICIENCY, MYOPATHY DUE TO; Myoadenylate deaminase deficiency, myopathy due to; Adenosine monophosphate deaminase 1 deficiency; AMP deaminase 1 deficiency; Adenosine Monophosphate Deaminase 1; AMPD1 DEFICIENCY. Identifiers: Orphanet 45, MedGen C3714933, MONDO:0014220, OMIM 615511.

Allele frequency attached by ClinVar (database versions not stated): gnomAD exomes 0.00011 and 0.00028; ExAC 0.00038; gnomAD 0.00119 and 0.00124; TOPMed 0.00137; ESP Exome Variant Server 0.00177; 1000 Genomes Project 0.00200; 1000 Genomes Project 30x 0.00203.

Submissions (5):

Labcorp Genetics (formerly Invitae), Labcorp
Classification: Likely benign for Muscle AMP deaminase deficiency. Last evaluated: 2026-02-02. Review status: criteria provided, single submitter. Criteria: Invitae Variant Classification Sherloc (09022015). Collection method: clinical testing. Allele origin: germline.

GeneDx
Classification: Uncertain significance. Last evaluated: 2024-12-09. Review status: criteria provided, single submitter. Criteria: GeneDx Variant Classification Process June 2021. Collection method: clinical testing. Allele origin: germline. Affected: yes.
Comment: In silico analysis indicates that this missense variant does not alter protein structure/function; Has not been previously published in association with an AMPD1-related disorder to our knowledge; Also known as p.(R79W); This variant is associated with the following publications: (PMID: 15173240)

Women's Health and Genetics/Laboratory Corporation of America, LabCorp
Classification: Uncertain significance. Last evaluated: 2023-04-21. Review status: criteria provided, single submitter. Criteria: LabCorp Variant Classification Summary - May 2015. Collection method: clinical testing. Allele origin: germline.
Comment: Variant summary: AMPD1 c.235C>T (p.Arg79Trp) results in a non-conservative amino acid change in the encoded protein sequence. Three of five in-silico tools predict a benign effect of the variant on protein function. The variant allele was found at a frequency of 0.00028 in 251450 control chromosomes (gnomAD). To our knowledge, no occurrence of c.235C>T in individuals affected with Muscle AMP Deaminase Deficiency and no experimental evidence demonstrating its impact on protein function have been reported. Two submitters have provided clinical-significance assessments for this variant to ClinVar after 2014 without evidence for independent evaluation, and classified the variant as likely benign or uncertain significance. Based on the evidence outlined above, the variant was classified as uncertain significance.

Revvity Omics, Revvity
Classification: Uncertain significance for Muscle AMP deaminase deficiency. Last evaluated: 2020-04-04. Review status: criteria provided, single submitter. Criteria: ACMG Guidelines, 2015. Collection method: clinical testing. Allele origin: germline.

PreventionGenetics, part of Exact Sciences
Classification: Likely benign for AMPD1-related condition. Last evaluated: 2021-03-03. Review status: no assertion criteria provided. Collection method: clinical testing. Allele origin: germline. Not counted in ClinVar's aggregate classification.
Comment: This variant is classified as likely benign based on ACMG/AMP sequence variant interpretation guidelines (Richards et al. 2015 PMID: 25741868, with internal and published modifications).